The following is an entry in ClinVar:

ClinVar aggregate classification (germline): Pathogenic (1 of 4 stars; one submission).

Conditions:
Intellectual developmental disorder, autosomal dominant 29. Also called: Intellectual disability, autosomal dominant 29; SETBP1 Haploinsufficiency Disorder. Identifiers: Orphanet 436151, MedGen C4015141, MONDO:0014482, OMIM 616078.

Submission:

Center of Genomic medicine, Geneva, University Hospital of Geneva
Classification: Pathogenic for Intellectual developmental disorder, autosomal dominant 29. Last evaluated: 2015-11-19. Review status: criteria provided, single submitter. Criteria: ACMG Guidelines, 2015. Collection method: clinical testing. Allele origin: de novo. Affected: yes.
Comment: Autosomal dominant mental retardation-29 is caused by heterozygous mutation in SETBP1 gene. This mutation is predicted to cause a truncated and non-functional SETBP1 protein.

Literature cited by the submitters: PubMed 25217958.

NM_015559.3(SETBP1):c.2016_2017insT (p.Lys673Ter)

Gene: SETBP1 (SET binding protein 1; plus strand). Cytogenetic location: 18q12.3.
Variant type: Insertion.
Coding change: c.2016_2017insT on transcript NM_015559.3 (MANE Select); coding-DNA positions 2016 to 2017, T inserted.
Protein change: p.Lys673Ter; replaces lysine 673 with a stop codon.
Molecular consequence: nonsense.
Genome position: GRCh38 VCF-style: chr18-44951356-C-CT. GRCh37 (hg19) VCF-style: chr18-42531321-C-CT.
Other names: c.2016_2017insT, p.Lys673Ter (LRG_1150t1); short protein forms K673*.
Identifiers: ClinVar variation 375633 (VCV000375633.2), dbSNP rs1057519594, ClinGen allele CA16044401.